The following is an entry in ClinVar:

ClinVar aggregate classification (germline): Likely benign (1 of 4 stars; one submission).

Allele frequency attached by ClinVar (database versions not stated): ExAC 0.00001.
gnomAD v4.1: 1 of 1,605,604 alleles (0.000062%); highest among the groups gnomAD compares: South Asian, 0.0011%; no homozygotes.

Submission:

GeneDx
Classification: Likely benign. Last evaluated: 2017-03-21. Review status: criteria provided, single submitter. Criteria: GeneDx Variant Classification (06012015). Collection method: clinical testing. Allele origin: germline. Affected: yes.
Comment: This variant is considered likely benign or benign based on one or more of the following criteria: it is a conservative change, it occurs at a poorly conserved position in the protein, it is predicted to be benign by multiple in silico algorithms, and/or has population frequency not consistent with disease.

NM_024675.4(PALB2):c.-36G>A

Gene: PALB2 (partner and localizer of BRCA2; minus strand). Cytogenetic location: 16p12.2.
Variant type: single nucleotide variant.
Coding change: c.-36G>A on transcript NM_024675.4 (MANE Select); 36 bases upstream of the start codon, G replaced by A.
Molecular consequence: 5 prime UTR variant.
Genome position (GRCh38, 1-based): chr16:23,641,193, C>T on the plus strand (G>A on the coding strand, the complement: PALB2 is on the minus strand). VCF-style: chr16-23641193-C-T. GRCh37 (hg19) VCF-style: chr16-23652514-C-T.
Identifiers: ClinVar variation 516434 (VCV000516434.1), dbSNP rs775325716, ClinGen allele CA7963896.
Genomic context (GRCh38, chr16:23,641,193, plus strand): 5'-GGGGCTTCCCGGGAGGCTCGTCCATCGGGCAGGCGACAGAACGAAAAGAGCAGCCGTCGC[C>T]GACCCCAGGCCTGCCGACACCGGGACCCAGTTGGCCCTGGGCCGGGGAGGCGCCCCAGGA-3'